The following is an entry in ClinVar:

ClinVar aggregate classification (germline): Uncertain significance (1 of 4 stars; one submission).

Submission:

Labcorp Genetics (formerly Invitae), Labcorp
Classification: Uncertain significance. Last evaluated: 2022-12-15. Review status: criteria provided, single submitter. Criteria: Invitae Variant Classification Sherloc (09022015). Collection method: clinical testing. Allele origin: unknown.
Comment: A similar copy number variant has been observed in individual(s) with intellectual disability (PMID: 33982443). In summary, the available evidence is currently insufficient to determine the role of this variant in disease. Therefore, it has been classified as a Variant of Uncertain Significance. Experimental studies and prediction algorithms are not available or were not evaluated, and the functional significance of this variant is currently unknown. This variant results in a copy number gain of the genomic region encompassing exon(s) 6 of the IL1RAPL1 gene. While the exact position of this variant cannot be determined from the data, sub-genic copy number gains are generally in tandem (PMID: 25640679). This variant is predicted to be in-frame, and likely preserves the integrity of the reading frame.

Literature cited by the submitters: PubMed 33982443; PubMed 25640679.

NC_000023.10:g.(?_29686527)_(29686641_?)dup

Gene: IL1RAPL1 (interleukin 1 receptor accessory protein like 1; plus strand). Cytogenetic location: Xp21.2.
Variant type: Duplication.
Identifiers: ClinVar variation 3246729 (VCV003246729.1).